The following is an entry in ClinVar:

ClinVar aggregate classification (germline): Pathogenic (1 of 4 stars; one submission).

Submission:

Labcorp Genetics (formerly Invitae), Labcorp
Classification: Pathogenic. Last evaluated: 2022-11-12. Review status: criteria provided, single submitter. Criteria: Invitae Variant Classification Sherloc (09022015). Collection method: clinical testing. Allele origin: germline.
Comment: This sequence change creates a premature translational stop signal (p.Gly45Trpfs*108) in the HOXC13 gene. It is expected to result in an absent or disrupted protein product. Loss-of-function variants in HOXC13 are known to be pathogenic (PMID: 23063621, 23315978, 23461661). The frequency data for this variant in the population databases is considered unreliable, as metrics indicate poor data quality at this position in the gnomAD database. This variant has not been reported in the literature in individuals affected with HOXC13-related conditions. For these reasons, this variant has been classified as Pathogenic.

Literature cited by the submitters: PubMed 23063621; PubMed 23315978; PubMed 23461661.

NM_017410.3(HOXC13):c.131dup (p.Gly45fs)

Genes: HOXC13 (homeobox C13; plus strand), HOXC13-AS (HOXC13 antisense RNA; minus strand). Cytogenetic location: 12q13.13.
Variant type: Duplication.
Coding change: c.131dup on transcript NM_017410.3 (MANE Select); coding-DNA position 131, one base duplicated (G; older notation c.131dupG).
Protein change: p.Gly45fs; shifts the reading frame from glycine 45.
Molecular consequence: frameshift variant.
Genome position (GRCh38, 1-based): chr12:53,939,037, G duplicated; the last of 6 consecutive G bases (chr12:53,939,032-53,939,037); duplicating any one gives the same sequence. VCF-style (leftmost placement, unchanged base first): chr12-53939031-C-CG. GRCh37 (hg19) VCF-style: chr12-54332815-C-CG.
Other names: short protein forms G45fs.
Identifiers: ClinVar variation 2723989 (VCV002723989.3), dbSNP rs775869095, ClinGen allele CA237424433.
Genomic context (GRCh38, chr12:53,939,031, plus strand): 5'-GCGCGGCGGAGAGCGGCATCGGCGGCGGCGGCGGAGGAGGAGGCGGCGGCACGGGCGGAG[C>CG]GGGGGGTGGCTGCAGCGGAGCGAGCCCCGGCAAAGCCCCGAGCATGGATGGTCTGGGCAG-3'